The following is an entry in ClinVar:

ClinVar aggregate classification (germline): Uncertain significance. Review status: criteria provided, multiple submitters, no conflicts (2 of 4 stars). 3 submissions from 3 submitters: Uncertain significance (3). Last evaluated 2024-06-09.

Conditions:
Cardiovascular phenotype. Identifiers: MedGen CN230736.
Arrhythmogenic cardiomyopathy with wooly hair and keratoderma. Also called: Arrhythmogenic cardiomyopathy with woolly hair and keratoderma; PALMOPLANTAR KERATODERMA WITH LEFT VENTRICULAR CARDIOMYOPATHY AND WOOLLY HAIR; Dilated cardiomyopathy with woolly hair and keratoderma; Carvajal syndrome. Identifiers: Orphanet 65282, MedGen C1854063, MONDO:0011581, OMIM 605676.

Allele frequency attached by ClinVar (database versions not stated): TOPMed below 0.00001.

Submissions (3):

All of Us Research Program, National Institutes of Health
Classification: Uncertain significance for Arrhythmogenic cardiomyopathy with wooly hair and keratoderma. Last evaluated: 2024-06-09. Review status: criteria provided, single submitter. Criteria: ACMG Guidelines, 2015. Collection method: clinical testing. Allele origin: germline. Inheritance: Autosomal dominant inheritance. Observed: 1 variant allele, 1 heterozygote.
Comment: This missense variant replaces glutamic acid with lysine at codon 1575 of the DSP protein. Computational prediction suggests that this variant may not impact protein structure and function (internally defined REVEL score threshold <= 0.5, PMID: 27666373). To our knowledge, functional studies have not been reported for this variant. This variant has not been reported in individuals affected with DSP-related disorders in the literature. This variant has not been identified in the general population by the Genome Aggregation Database (gnomAD). The available evidence is insufficient to determine the role of this variant in disease conclusively. Therefore, this variant is classified as a Variant of Uncertain Significance.

This study involves interpretation of variants in research participants for the purpose of population health screening. Participant phenotype was not available at the time of variant classification. Additional details can be found in publication PMID: 35346344, PMCID: PMC8962531

Ambry Genetics
Classification: Uncertain significance for Cardiovascular phenotype. Last evaluated: 2021-04-16. Review status: criteria provided, single submitter. Criteria: Ambry Variant Classification Scheme 2023. Collection method: clinical testing. Allele origin: germline.
Comment: The p.E1575K variant (also known as c.4723G>A), located in coding exon 23 of the DSP gene, results from a G to A substitution at nucleotide position 4723. The glutamic acid at codon 1575 is replaced by lysine, an amino acid with similar properties. This amino acid position is not well conserved in available vertebrate species. In addition, this alteration is predicted to be tolerated by in silico analysis. Since supporting evidence is limited at this time, the clinical significance of this alteration remains unclear.

Laboratory for Molecular Medicine, Mass General Brigham Personalized Medicine
Classification: Uncertain significance. Last evaluated: 2014-07-03. Review status: criteria provided, single submitter. Criteria: LMM Criteria. Collection method: clinical testing. Allele origin: germline. Observed: 1 variant allele.
Comment: The Glu1575Lys variant in DSP has not been previously reported in individuals wi th cardiomyopathy or in large population studies. Computational prediction tools and conservation analysis do not provide strong support for or against an impac t to the protein. In summary, the clinical significance of the Glu1575Lys varian t is uncertain.

NM_004415.4(DSP):c.4723G>A (p.Glu1575Lys)

Gene: DSP (desmoplakin; plus strand). Cytogenetic location: 6p24.3.
Variant type: single nucleotide variant.
Coding change: c.4723G>A on transcript NM_004415.4 (MANE Select); coding-DNA position 4723, G replaced by A.
Protein change: p.Glu1575Lys; replaces glutamic acid 1575 with lysine.
Molecular consequence: missense variant. On other transcripts: intron variant (2).
Genome position (GRCh38, 1-based): chr6:7,580,913, G>A. VCF-style: chr6-7580913-G-A. GRCh37 (hg19) VCF-style: chr6-7581146-G-A.
Other names: c.4050+673G>A (NM_001319034.2); c.3582+1141G>A (NM_001008844.3); short protein forms E1575K.
Identifiers: ClinVar variation 163274 (VCV000163274.7), dbSNP rs727503002, ClinGen allele CA004141.
Genomic context (GRCh38, chr6:7,580,913, plus strand): 5'-GATATCACGCGGTTCCAGAACTCTCTGAAAGAGCTGCAGCTGCAGAAGCAGAAGGTGGAA[G>A]AGGAGCTGAATCGGCTGAAGAGGACCGCGTCAGAAGACTCCTGCAAGAGGAAGAAGCTGG-3'
Protein context (NP_004406.2, residues 1565-1585): ELQLQKQKVE[Glu1575Lys]ELNRLKRTAS